The following is an entry in ClinVar:

ClinVar aggregate classification (germline): Uncertain significance (1 of 4 stars; one submission).

Conditions:
Deafness-lymphedema-leukemia syndrome. Also called: Lymphedema, primary, with myelodysplasia; Emberger syndrome. Identifiers: Orphanet 3226, MedGen C3279664, MONDO:0013540, OMIM 614038.
Monocytopenia with susceptibility to infections. Also called: MONOCYTOPENIA AND MYCOBACTERIAL INFECTION SYNDROME; MONOCYTOPENIA WITH SUSCEPTIBILITY TO MYCOBACTERIAL, FUNGAL, AND PAPILLOMAVIRUS INFECTIONS AND MYELODYSPLASIA; COMBINED IMMUNODEFICIENCY WITH SUSCEPTIBILITY TO MYCOBACTERIAL, VIRAL, AND FUNGAL INFECTIONS; Dendritic cell, monocyte, B lymphocyte, and natural killer lymphocyte deficiency; IMMUNODEFICIENCY 21; GATA2 DEFICIENCY. Identifiers: Orphanet 228423, MedGen C3280030, MONDO:0013607, OMIM 614172.

Submission:

Labcorp Genetics (formerly Invitae), Labcorp
Classification: Uncertain significance for Monocytopenia with susceptibility to infections; Deafness-lymphedema-leukemia syndrome. Last evaluated: 2024-06-22. Review status: criteria provided, single submitter. Criteria: Invitae Variant Classification Sherloc (09022015). Collection method: clinical testing. Allele origin: germline.
Comment: This sequence change replaces leucine, which is neutral and non-polar, with valine, which is neutral and non-polar, at codon 433 of the GATA2 protein (p.Leu433Val). This variant is not present in population databases (gnomAD no frequency). This variant has not been reported in the literature in individuals affected with GATA2-related conditions. Advanced modeling of protein sequence and biophysical properties (such as structural, functional, and spatial information, amino acid conservation, physicochemical variation, residue mobility, and thermodynamic stability) has been performed at Invitae for this missense variant, however the output from this modeling did not meet the statistical confidence thresholds required to predict the impact of this variant on GATA2 protein function. In summary, the available evidence is currently insufficient to determine the role of this variant in disease. Therefore, it has been classified as a Variant of Uncertain Significance.

NM_032638.5(GATA2):c.1297C>G (p.Leu433Val)

Gene: GATA2 (GATA binding protein 2; minus strand). Cytogenetic location: 3q21.3.
Variant type: single nucleotide variant.
Coding change: c.1297C>G on transcript NM_032638.5 (MANE Select); coding-DNA position 1297, C replaced by G.
Protein change: p.Leu433Val; replaces leucine 433 with valine.
Molecular consequence: missense variant.
Genome position (GRCh38, 1-based): chr3:128,481,165, G>C on the plus strand (C>G on the coding strand, the complement: GATA2 is on the minus strand). VCF-style: chr3-128481165-G-C. GRCh37 (hg19) VCF-style: chr3-128200008-G-C.
Other names: c.1297C>G, p.Leu433Val (NM_001145661.2); c.1255C>G, p.Leu419Val (NM_001145662.1); short protein forms L419V, L433V.
Identifiers: ClinVar variation 3753910 (VCV003753910.2).